The following is an entry in ClinVar:

ClinVar aggregate classification (germline): Uncertain significance. Review status: criteria provided, multiple submitters, no conflicts (2 of 4 stars). 3 submissions from 3 submitters: Uncertain significance (3). Last evaluated 2023-12-05.

Conditions:
Hereditary cancer-predisposing syndrome. Also called: Hereditary Cancer Syndrome; Hereditary neoplastic syndrome; Neoplastic Syndromes, Hereditary; Tumor predisposition. Identifiers: Orphanet 140162, MedGen C0027672, MeSH D009386, MONDO:0015356.
Ataxia-telangiectasia syndrome (AT). Also called: Ataxia-telangiectasia, complementation group E; LOUIS-BAR SYNDROME; Cerebello-oculocutaneous telangiectasia; Immunodeficiency with ataxia telangiectasia; Ataxia-telangiectasia, complementation group D; AT, COMPLEMENTATION GROUP C. Identifiers: Orphanet 100, MedGen C0004135, MONDO:0008840, OMIM 208900.

Submissions (3):

Color Diagnostics, LLC DBA Color Health
Classification: Uncertain significance for Hereditary cancer-predisposing syndrome. Last evaluated: 2023-12-05. Review status: criteria provided, single submitter. Criteria: ACMG Guidelines, 2015. Collection method: clinical testing. Allele origin: germline.
Comment: This missense variant replaces asparagine with serine at codon 768 of the ATM protein. Computational prediction suggests that this variant may not impact protein structure and function (internally defined REVEL score threshold <= 0.5, PMID: 27666373). To our knowledge, functional studies have not been reported for this variant. This variant has not been reported in individuals affected with ATM-related disorders in the literature. This variant has not been identified in the general population by the Genome Aggregation Database (gnomAD). The available evidence is insufficient to determine the role of this variant in disease conclusively. Therefore, this variant is classified as a Variant of Uncertain Significance.

Ambry Genetics
Classification: Uncertain significance for Hereditary cancer-predisposing syndrome. Last evaluated: 2023-07-12. Review status: criteria provided, single submitter. Criteria: Ambry Variant Classification Scheme 2023. Collection method: clinical testing. Allele origin: germline.
Comment: The p.N768S variant (also known as c.2303A>G), located in coding exon 14 of the ATM gene, results from an A to G substitution at nucleotide position 2303. The asparagine at codon 768 is replaced by serine, an amino acid with highly similar properties. This amino acid position is conserved. In addition, this alteration is predicted to be tolerated by in silico analysis. Since supporting evidence is limited at this time, the clinical significance of this alteration remains unclear.

Labcorp Genetics (formerly Invitae), Labcorp
Classification: Uncertain significance for Ataxia-telangiectasia syndrome. Last evaluated: 2022-09-27. Review status: criteria provided, single submitter. Criteria: Invitae Variant Classification Sherloc (09022015). Collection method: clinical testing. Allele origin: germline.
Comment: This variant has not been reported in the literature in individuals affected with ATM-related conditions. In summary, the available evidence is currently insufficient to determine the role of this variant in disease. Therefore, it has been classified as a Variant of Uncertain Significance. Algorithms developed to predict the effect of sequence changes on RNA splicing suggest that this variant may create or strengthen a splice site. Algorithms developed to predict the effect of missense changes on protein structure and function output the following: SIFT: "Tolerated"; PolyPhen-2: "Benign"; Align-GVGD: "Class C0". The serine amino acid residue is found in multiple mammalian species, which suggests that this missense change does not adversely affect protein function. ClinVar contains an entry for this variant (Variation ID: 924134). This variant is not present in population databases (gnomAD no frequency). This sequence change replaces asparagine, which is neutral and polar, with serine, which is neutral and polar, at codon 768 of the ATM protein (p.Asn768Ser).

NM_000051.4(ATM):c.2303A>G (p.Asn768Ser)

Gene: ATM (ATM serine/threonine kinase; plus strand). Cytogenetic location: 11q22.3.
Variant type: single nucleotide variant.
Coding change: c.2303A>G on transcript NM_000051.4 (MANE Select); coding-DNA position 2303, A replaced by G.
Protein change: p.Asn768Ser; replaces asparagine 768 with serine.
Molecular consequence: missense variant.
Genome position (GRCh38, 1-based): chr11:108,257,533, A>G. VCF-style: chr11-108257533-A-G. GRCh37 (hg19) VCF-style: chr11-108128260-A-G.
Other names: c.2303A>G, p.Asn768Ser (NM_001351834.2); short protein forms N768S.
Identifiers: ClinVar variation 924134 (VCV000924134.10), dbSNP rs2080577809, ClinGen allele CA382539827.